The following is an entry in ClinVar:

ClinVar aggregate classification (germline): Uncertain significance (1 of 4 stars; one submission).

Conditions:
Genitopatellar syndrome (GTPTS). Also called: Genitopatellar syndrome (GPS); ABSENT PATELLAE, SCROTAL HYPOPLASIA, RENAL ANOMALIES, FACIAL DYSMORPHISM, AND MENTAL RETARDATION. Identifiers: Orphanet 85201, MedGen C1853566, MONDO:0011640, OMIM 606170.

Submission:

Labcorp Genetics (formerly Invitae), Labcorp
Classification: Uncertain significance for Genitopatellar syndrome. Last evaluated: 2021-11-27. Review status: criteria provided, single submitter. Criteria: Invitae Variant Classification Sherloc (09022015). Collection method: clinical testing. Allele origin: germline.
Comment: This sequence change replaces arginine, which is basic and polar, with leucine, which is neutral and non-polar, at codon 1404 of the KAT6B protein (p.Arg1404Leu). This variant is not present in population databases (gnomAD no frequency). This variant has not been reported in the literature in individuals affected with KAT6B-related conditions. Algorithms developed to predict the effect of missense changes on protein structure and function (SIFT, PolyPhen-2, Align-GVGD) all suggest that this variant is likely to be tolerated. In summary, the available evidence is currently insufficient to determine the role of this variant in disease. Therefore, it has been classified as a Variant of Uncertain Significance.

NM_012330.4(KAT6B):c.4211G>T (p.Arg1404Leu)

Gene: KAT6B (lysine acetyltransferase 6B; plus strand). Cytogenetic location: 10q22.2.
Variant type: single nucleotide variant.
Coding change: c.4211G>T on transcript NM_012330.4 (MANE Select); coding-DNA position 4211, G replaced by T.
Protein change: p.Arg1404Leu; replaces arginine 1404 with leucine.
Molecular consequence: missense variant.
Genome position (GRCh38, 1-based): chr10:75,029,035, G>T. VCF-style: chr10-75029035-G-T. GRCh37 (hg19) VCF-style: chr10-76788793-G-T.
Other names: c.3662G>T, p.Arg1221Leu (NM_001256468.2, NM_001370138.1); c.3335G>T, p.Arg1112Leu (NM_001256469.2, NM_001370139.1, NM_001370140.1 and 2 more transcripts); c.3173G>T, p.Arg1058Leu (NM_001370132.1); c.2522G>T, p.Arg841Leu (NM_001370133.1); c.2126G>T, p.Arg709Leu (NM_001370134.1); c.1868G>T, p.Arg623Leu (NM_001370135.1); c.4211G>T, p.Arg1404Leu (NM_001370136.1, NM_001370137.1); c.3146G>T, p.Arg1049Leu (NM_001370143.1, NM_001370144.1); short protein forms R1221L, R1049L, R1404L, R623L, R1112L, R709L, R1058L, R841L.
Identifiers: ClinVar variation 1486218 (VCV001486218.6), dbSNP rs563033366, ClinGen allele CA377296442.